The following is an entry in ClinVar:

ClinVar aggregate classification (germline): Uncertain significance (1 of 4 stars; one submission).

Conditions:
Marfan syndrome (MFS). Also called: MARFAN SYNDROME, TYPE I; Marfan syndrome type 1; Marfan's syndrome; Marfan syndrome, classic; FBN1-Related Marfan Syndrome. Identifiers: Orphanet 284963, Orphanet 558, MedGen C0024796, MONDO:0007947, OMIM 154700.
Familial thoracic aortic aneurysm and aortic dissection (TAAD). Also called: Thoracic aortic aneurysms and dissections. Identifiers: Orphanet 91387, MedGen C4707243, MONDO:0019625.

Submission:

Labcorp Genetics (formerly Invitae), Labcorp
Classification: Uncertain significance for Marfan syndrome; Familial thoracic aortic aneurysm and aortic dissection. Last evaluated: 2021-04-30. Review status: criteria provided, single submitter. Criteria: Invitae Variant Classification Sherloc (09022015). Collection method: clinical testing. Allele origin: germline.
Comment: This sequence change replaces leucine with proline at codon 1080 of the FBN1 protein (p.Leu1080Pro). The leucine residue is moderately conserved and there is a moderate physicochemical difference between leucine and proline. This variant is not present in population databases (ExAC no frequency). This variant has been observed in individual(s) with Marfan syndrome (Invitae). Advanced modeling of protein sequence and biophysical properties (such as structural, functional, and spatial information, amino acid conservation, physicochemical variation, residue mobility, and thermodynamic stability) performed at Invitae indicates that this missense variant is expected to disrupt FBN1 protein function. In summary, the available evidence is currently insufficient to determine the role of this variant in disease. Therefore, it has been classified as a Variant of Uncertain Significance.

NM_000138.5(FBN1):c.3239T>C (p.Leu1080Pro)

Gene: FBN1 (fibrillin 1; minus strand). Cytogenetic location: 15q21.1.
Variant type: single nucleotide variant.
Coding change: c.3239T>C on transcript NM_000138.5 (MANE Select); coding-DNA position 3239, T replaced by C.
Protein change: p.Leu1080Pro; replaces leucine 1080 with proline.
Molecular consequence: missense variant.
Genome position (GRCh38, 1-based): chr15:48,488,211, A>G on the plus strand (T>C on the coding strand, the complement: FBN1 is on the minus strand). VCF-style: chr15-48488211-A-G. GRCh37 (hg19) VCF-style: chr15-48780408-A-G.
Other names: short protein forms L1080P.
Identifiers: ClinVar variation 1485740 (VCV001485740.8), dbSNP rs2043525655, ClinGen allele CA392327576.